The following is an entry in ClinVar:

ClinVar aggregate classification (germline): Pathogenic (1 of 4 stars; one submission).

Conditions:
Hereditary hemorrhagic telangiectasia (HHT). Also called: ORW DISEASE; Osler Weber Rendu syndrome; OSLER-RENDU-WEBER DISEASE; Osler hemorrhagic telangiectasia syndrome. Identifiers: Orphanet 774, MedGen C0039445, MONDO:0019180. Disease mechanism: loss of function.

Submission:

Labcorp Genetics (formerly Invitae), Labcorp
Classification: Pathogenic for Hereditary hemorrhagic telangiectasia. Last evaluated: 2019-02-25. Review status: criteria provided, single submitter. Criteria: Invitae Variant Classification Sherloc (09022015). Collection method: clinical testing. Allele origin: germline.
Comment: This variant is an in-frame deletion of the genomic region encompassing exons 9-10 of the ENG gene. It preserves the integrity of the reading frame. Similar deletions are also known as exons 9A-9B deletions in the literature. Variants that disrupt the p.Cys412 amino acid residue in ENG has been observed in affected individuals (PMID: 24196379, 25312062, 15024723, Invitae). This suggests that it is a clinically significant residue, and that other variants that disrupt this residue are likely to be causative of disease. For these reasons, this variant has been classified as Pathogenic.

Literature cited by the submitters: PubMed 20414677; PubMed 25312062; PubMed 24196379; PubMed 15024723.

NC_000009.12:g.(?_127819616)_(127820043_?)del

Genes: ENG (endoglin; minus strand), LOC102723566 (uncharacterized LOC102723566; plus strand). Cytogenetic location: 9q34.11.
Variant type: Deletion.
Identifiers: ClinVar variation 458319 (VCV000458319.2).